The following is an entry in ClinVar:

ClinVar aggregate classification (germline): Likely benign. Review status: criteria provided, multiple submitters, no conflicts (2 of 4 stars). 3 submissions from 3 submitters: Likely benign (3). Last evaluated 2023-11-29.

Conditions:
Catecholaminergic polymorphic ventricular tachycardia (CVPT). Also called: Catecholamine-induced polymorphic ventricular tachycardia. Identifiers: Orphanet 3286, MedGen C5574922, MONDO:0017990.
Cardiomyopathy (CMYO). Also called: Cardiomyopathies. Identifiers: Orphanet 167848, MedGen C0878544, MONDO:0004994, HP:0001638. Inheritance: Various modes of inheritance.
Catecholaminergic polymorphic ventricular tachycardia 1. Also called: RYR2-Related Catecholaminergic Polymorphic Ventricular Tachycardia; VENTRICULAR TACHYCARDIA, CATECHOLAMINERGIC POLYMORPHIC, 1, WITH OR WITHOUT ATRIAL DYSFUNCTION AND/OR DILATED CARDIOMYOPATHY; VENTRICULAR TACHYCARDIA, STRESS-INDUCED POLYMORPHIC 1. Identifiers: Orphanet 3286, MedGen C1631597, MONDO:0011484, OMIM 604772.

gnomAD v4.1: 1 of 1,613,796 alleles (0.000062%); highest among the groups gnomAD compares: East Asian, 0.0022%; no homozygotes.

Submissions (3):

Labcorp Genetics (formerly Invitae), Labcorp
Classification: Likely benign for Catecholaminergic polymorphic ventricular tachycardia 1. Last evaluated: 2023-11-29. Review status: criteria provided, single submitter. Criteria: Invitae Variant Classification Sherloc (09022015). Collection method: clinical testing. Allele origin: germline.

All of Us Research Program, National Institutes of Health
Classification: Likely benign for Catecholaminergic polymorphic ventricular tachycardia. Last evaluated: 2023-07-19. Review status: criteria provided, single submitter. Criteria: ACMG Guidelines, 2015. Collection method: clinical testing. Allele origin: germline. Inheritance: Autosomal dominant inheritance. Observed: 1 variant allele, 1 heterozygote.
Comment: This study involves interpretation of variants in research participants for the purpose of population health screening. Participant phenotype was not available at the time of variant classification. Additional details can be found in publication PMID: 35346344, PMCID: PMC8962531

Color Diagnostics, LLC DBA Color Health
Classification: Likely benign for Cardiomyopathy. Last evaluated: 2022-11-06. Review status: criteria provided, single submitter. Criteria: ACMG Guidelines, 2015. Collection method: clinical testing. Allele origin: germline.

NM_001035.3(RYR2):c.13710C>A (p.Pro4570=)

Gene: RYR2 (ryanodine receptor 2; plus strand). Cytogenetic location: 1q43.
Variant type: single nucleotide variant.
Coding change: c.13710C>A on transcript NM_001035.3 (MANE Select); coding-DNA position 13710, C replaced by A.
Protein change: p.Pro4570=; no amino-acid change (proline 4570 retained).
Molecular consequence: synonymous variant.
Genome position (GRCh38, 1-based): chr1:237,792,251, C>A. VCF-style: chr1-237792251-C-A. GRCh37 (hg19) VCF-style: chr1-237955551-C-A.
Identifiers: ClinVar variation 2895464 (VCV002895464.5), dbSNP rs1368100707, ClinGen allele CA423827450.